The following is an entry in ClinVar:

NM_002691.4(POLD1):c.910T>G (p.Trp304Gly)

Gene: POLD1 (DNA polymerase delta 1, catalytic subunit; plus strand). Cytogenetic location: 19q13.33.
Variant type: single nucleotide variant.
Coding change: c.910T>G on transcript NM_002691.4 (MANE Select); coding-DNA position 910, T replaced by G.
Protein change: p.Trp304Gly; replaces tryptophan 304 with glycine.
Molecular consequence: missense variant. On other transcripts: non-coding transcript variant (1).
Genome position (GRCh38, 1-based): chr19:50,402,681, T>G. VCF-style: chr19-50402681-T-G. GRCh37 (hg19) VCF-style: chr19-50905938-T-G.
Other names: c.910T>G, p.Trp304Gly (NM_001256849.1, NM_001308632.1); short protein forms W304G.
Identifiers: ClinVar variation 2712875 (VCV002712875.3), dbSNP rs751974087, ClinGen allele CA406977066.

ClinVar aggregate classification (germline): Uncertain significance (1 of 4 stars; one submission).

Conditions:
POLD1-related polyposis and colorectal cancer syndrome (CRCS10). Also called: Colorectal cancer 10; Colorectal cancer, susceptibility to, 10; COLORECTAL CANCER, SUSCEPTIBILITY TO, ON CHROMOSOME 19q. Identifiers: Orphanet 220460, MedGen C2675481, MONDO:0012953, OMIM 612591.

Submission:

Labcorp Genetics (formerly Invitae), Labcorp
Classification: Uncertain significance for POLD1-related polyposis and colorectal cancer syndrome. Last evaluated: 2023-06-14. Review status: criteria provided, single submitter. Criteria: Invitae Variant Classification Sherloc (09022015). Collection method: clinical testing. Allele origin: germline.
Comment: In summary, the available evidence is currently insufficient to determine the role of this variant in disease. Therefore, it has been classified as a Variant of Uncertain Significance. Advanced modeling of protein sequence and biophysical properties (such as structural, functional, and spatial information, amino acid conservation, physicochemical variation, residue mobility, and thermodynamic stability) performed at Invitae indicates that this missense variant is expected to disrupt POLD1 protein function. This variant has not been reported in the literature in individuals affected with POLD1-related conditions. This variant is not present in population databases (gnomAD no frequency). This sequence change replaces tryptophan, which is neutral and slightly polar, with glycine, which is neutral and non-polar, at codon 304 of the POLD1 protein (p.Trp304Gly).